The following is an entry in ClinVar:

NM_001130438.3(SPTAN1):c.556G>A (p.Val186Ile)

Gene: SPTAN1 (spectrin alpha, non-erythrocytic 1; plus strand). Cytogenetic location: 9q34.11.
Variant type: single nucleotide variant.
Coding change: c.556G>A on transcript NM_001130438.3 (MANE Select); coding-DNA position 556, G replaced by A.
Protein change: p.Val186Ile; replaces valine 186 with isoleucine.
Molecular consequence: missense variant.
Genome position (GRCh38, 1-based): chr9:128,575,250, G>A. VCF-style: chr9-128575250-G-A. GRCh37 (hg19) VCF-style: chr9-131337529-G-A.
Other names: c.556G>A, p.Val186Ile (NM_001195532.2, NM_001363759.2, NM_001363765.2 and 10 more transcripts); c.592G>A, p.Val198Ile (NM_001375312.2, NM_001375318.1, NM_001438440.1); short protein forms V186I, V198I.
Identifiers: ClinVar variation 4801838 (VCV004801838.1).

ClinVar aggregate classification (germline): Uncertain significance (1 of 4 stars; one submission).

Conditions:
Early-infantile DEE. Also called: Early infantile epileptic encephalopathy; Early infantile epileptic encephalopathy with suppression bursts; Ohtahara syndrome. Identifiers: Orphanet 1934, MedGen C0393706, MONDO:0800491.

gnomAD v4.1: 1 of 1,614,164 alleles (0.000062%); highest among the groups gnomAD compares: South Asian, 0.0011%; no homozygotes.

Submission:

Labcorp Genetics (formerly Invitae), Labcorp
Classification: Uncertain significance for Early-infantile DEE. Last evaluated: 2025-02-13. Review status: criteria provided, single submitter. Criteria: Invitae Variant Classification Sherloc (09022015). Collection method: clinical testing. Allele origin: germline.
Comment: This sequence change replaces valine, which is neutral and non-polar, with isoleucine, which is neutral and non-polar, at codon 186 of the SPTAN1 protein (p.Val186Ile). This variant is not present in population databases (gnomAD no frequency). This variant has not been reported in the literature in individuals affected with SPTAN1-related conditions. Invitae Evidence Modeling of protein sequence and biophysical properties (such as structural, functional, and spatial information, amino acid conservation, physicochemical variation, residue mobility, and thermodynamic stability) has been performed for this missense variant. However, the output from this modeling did not meet the statistical confidence thresholds required to predict the impact of this variant on SPTAN1 protein function. In summary, the available evidence is currently insufficient to determine the role of this variant in disease. Therefore, it has been classified as a Variant of Uncertain Significance.